The following is an entry in ClinVar:

ClinVar aggregate classification (germline): Uncertain significance. Review status: criteria provided, multiple submitters, no conflicts (2 of 4 stars). 2 submissions from 2 submitters: Uncertain significance (2). Last evaluated 2025-10-14.

Conditions:
Hereditary cancer-predisposing syndrome. Also called: Neoplastic Syndromes, Hereditary; Hereditary Cancer Syndrome; Tumor predisposition; Hereditary neoplastic syndrome. Identifiers: Orphanet 140162, MedGen C0027672, MeSH D009386, MONDO:0015356.

gnomAD v4.1: 1 of 1,613,938 alleles (0.000062%); highest among the groups gnomAD compares: South Asian, 0.0011%; no homozygotes.

Submissions (2):

Ambry Genetics
Classification: Uncertain significance for Hereditary cancer-predisposing syndrome. Last evaluated: 2025-10-14. Review status: criteria provided, single submitter. Criteria: Ambry Variant Classification Scheme 2023. Collection method: clinical testing. Allele origin: germline.
Comment: The p.G776D variant (also known as c.2327G>A), located in coding exon 14 of the RAD50 gene, results from a G to A substitution at nucleotide position 2327. The glycine at codon 776 is replaced by aspartic acid, an amino acid with similar properties. This amino acid position is conserved. In addition, this alteration is predicted to be tolerated by in silico analysis. Since supporting evidence is limited at this time, the clinical significance of this alteration remains unclear.

Labcorp Genetics (formerly Invitae), Labcorp
Classification: Uncertain significance for Hereditary cancer-predisposing syndrome. Last evaluated: 2022-08-15. Review status: criteria provided, single submitter. Criteria: Invitae Variant Classification Sherloc (09022015). Collection method: clinical testing. Allele origin: germline.
Comment: In summary, the available evidence is currently insufficient to determine the role of this variant in disease. Therefore, it has been classified as a Variant of Uncertain Significance. Algorithms developed to predict the effect of missense changes on protein structure and function (SIFT, PolyPhen-2, Align-GVGD) all suggest that this variant is likely to be tolerated. ClinVar contains an entry for this variant (Variation ID: 969345). This variant has not been reported in the literature in individuals affected with RAD50-related conditions. This variant is not present in population databases (gnomAD no frequency). This sequence change replaces glycine, which is neutral and non-polar, with aspartic acid, which is acidic and polar, at codon 776 of the RAD50 protein (p.Gly776Asp).

NM_005732.4(RAD50):c.2327G>A (p.Gly776Asp)

Gene: RAD50 (RAD50 double strand break repair protein; plus strand). Cytogenetic location: 5q31.1.
Variant type: single nucleotide variant.
Coding change: c.2327G>A on transcript NM_005732.4 (MANE Select); coding-DNA position 2327, G replaced by A.
Protein change: p.Gly776Asp; replaces glycine 776 with aspartic acid.
Molecular consequence: missense variant.
Genome position (GRCh38, 1-based): chr5:132,603,419, G>A. VCF-style: chr5-132603419-G-A. GRCh37 (hg19) VCF-style: chr5-131939111-G-A.
Other names: short protein forms G776D.
Identifiers: ClinVar variation 969345 (VCV000969345.13), dbSNP rs1174525743, ClinGen allele CA360954679.
Genomic context (GRCh38, chr5:132,603,419, plus strand): 5'-ATGTCAATAGAGACATACAGCGCCTAAAGAACGACATAGAAGAACAAGAAACACTCTTGG[G>A]TACAATAATGCCTGAAGAAGAAAGTGCCAAAGTATGCCTGACAGATGTTACAATTATGGA-3'
Protein context (NP_005723.2, residues 766-786): NDIEEQETLL[Gly776Asp]TIMPEEESAK